The following is an entry in ClinVar:

ClinVar aggregate classification (germline): Uncertain significance (1 of 4 stars; one submission).

Allele frequency attached by ClinVar (database versions not stated): gnomAD exomes below 0.00001.
gnomAD v4.1: 1 of 1,613,972 alleles (0.000062%); highest among the groups gnomAD compares: Non-Finnish European, 0.000085%; no homozygotes.

Submission:

GeneDx
Classification: Uncertain significance. Last evaluated: 2023-02-10. Review status: criteria provided, single submitter. Criteria: GeneDx Variant Classification Process June 2021. Collection method: clinical testing. Allele origin: germline. Affected: yes.
Comment: Not observed at significant frequency in large population cohorts (gnomAD); In silico analysis supports that this missense variant has a deleterious effect on protein structure/function; Has not been previously published as pathogenic or benign to our knowledge

NM_001303256.3(MORC2):c.1433C>T (p.Pro478Leu)

Gene: MORC2 (MORC family CW-type zinc finger 2; minus strand). Cytogenetic location: 22q12.2.
Variant type: single nucleotide variant.
Coding change: c.1433C>T on transcript NM_001303256.3 (MANE Select); coding-DNA position 1433, C replaced by T.
Protein change: p.Pro478Leu; replaces proline 478 with leucine.
Molecular consequence: missense variant.
Genome position (GRCh38, 1-based): chr22:30,937,648, G>A on the plus strand (C>T on the coding strand, the complement: MORC2 is on the minus strand). VCF-style: chr22-30937648-G-A. GRCh37 (hg19) VCF-style: chr22-31333635-G-A.
Other names: c.1433C>T, p.Pro478Leu (NM_001303257.2); c.1247C>T, p.Pro416Leu (NM_014941.3); short protein forms P416L, P478L.
Identifiers: ClinVar variation 2575617 (VCV002575617.1), dbSNP rs2517588684, ClinGen allele CA411237782.
Genomic context (GRCh38, chr22:30,937,648, plus strand): 5'-TGGATGGTGGTGGGGATTTCCATAGCTCTCCGGCGTTTGTAACGCAGCTCACTGGATGGG[G>A]GCTGGTTCCAGTTGGCAGAGAGGTAGCCAAACTCATCCCAGAACTTGATGATTCCCCTCT-3'
Protein context (NP_001290185.1, residues 468-488): FGYLSANWNQ[Pro478Leu]PSSELRYKRR